The following is an entry in ClinVar:

ClinVar aggregate classification (germline): Uncertain significance (1 of 4 stars; one submission).

Allele frequency attached by ClinVar (database versions not stated): TOPMed 0.00001.

Submission:

Labcorp Genetics (formerly Invitae), Labcorp
Classification: Uncertain significance. Last evaluated: 2025-03-09. Review status: criteria provided, single submitter. Criteria: Invitae Variant Classification Sherloc (09022015). Collection method: clinical testing. Allele origin: germline.
Comment: This sequence change replaces proline, which is neutral and non-polar, with leucine, which is neutral and non-polar, at codon 168 of the ALPK3 protein (p.Pro168Leu). This variant is not present in population databases (gnomAD no frequency). This variant has not been reported in the literature in individuals affected with ALPK3-related conditions. ClinVar contains an entry for this variant (Variation ID: 1493648). An algorithm developed to predict the effect of missense changes on protein structure and function outputs the following: PolyPhen-2: "Benign". The leucine amino acid residue is found in multiple mammalian species, which suggests that this missense change does not adversely affect protein function. In summary, the available evidence is currently insufficient to determine the role of this variant in disease. Therefore, it has been classified as a Variant of Uncertain Significance.

NC_000015.10:g.84817349C>T

Gene: ALPK3 (alpha kinase 3; plus strand). Cytogenetic location: 15q25.3.
Variant type: single nucleotide variant.
Genome position: GRCh38 VCF-style: chr15-84817349-C-T. GRCh37 (hg19) VCF-style: chr15-85360580-C-T.
Identifiers: ClinVar variation 1493648 (VCV001493648.6), dbSNP rs1754238791, ClinGen allele CA393369050.
Genomic context (GRCh38, chr15:84,817,349, plus strand): 5'-AGGGACAGCAGCAGGTGACGACGGCCCGGCCACCGGCTATAAATAGGGGCGCGCGTCAGC[C>T]GCGGGCGGGAGCGGCGGCGGCGGGCAGGGGCCCGGGGGCCGGGGCCTGGAGGACAGGCGA-3'